The following is an entry in ClinVar:

NM_003482.4(KMT2D):c.4938C>T (p.Asp1646=)

Gene: KMT2D (lysine methyltransferase 2D; minus strand). Cytogenetic location: 12q13.12.
Variant type: single nucleotide variant.
Coding change: c.4938C>T on transcript NM_003482.4 (MANE Select); coding-DNA position 4938, C replaced by T.
Protein change: p.Asp1646=; no amino-acid change (aspartic acid 1646 retained).
Molecular consequence: synonymous variant.
Genome position (GRCh38, 1-based): chr12:49,044,769, G>A on the plus strand (C>T on the coding strand, the complement: KMT2D is on the minus strand). VCF-style: chr12-49044769-G-A. GRCh37 (hg19) VCF-style: chr12-49438552-G-A.
Other names: c.4938C>T (NM_003482.3).
Identifiers: ClinVar variation 1563095 (VCV001563095.10), dbSNP rs543022693, ClinGen allele CA6547683.

ClinVar aggregate classification (germline): Likely benign. Review status: criteria provided, multiple submitters, no conflicts (2 of 4 stars). 3 submissions from 3 submitters: Likely benign (2). 1 of the submissions does not count toward it. Last evaluated 2025-03-28.

Conditions:
KMT2D-related disorder. Also called: KMT2D-Related Disorders.
Kabuki syndrome. Also called: NIIKAWA-KUROKI SYNDROME; Kabuki make-up syndrome. Identifiers: Orphanet 2322, MedGen C0796004, MONDO:0016512.

Allele frequency attached by ClinVar (database versions not stated): gnomAD exomes 0.00001 and 0.00002; TOPMed 0.00001; ExAC 0.00002; gnomAD 0.00002.

Submissions (3):

Labcorp Genetics (formerly Invitae), Labcorp
Classification: Likely benign for Kabuki syndrome. Last evaluated: 2025-03-28. Review status: criteria provided, single submitter. Criteria: Invitae Variant Classification Sherloc (09022015). Collection method: clinical testing. Allele origin: germline.

Blueprint Genetics
Classification: Likely benign. Last evaluated: 2021-09-06. Review status: criteria provided, single submitter. Criteria: ACMG Guidelines, 2015. Collection method: clinical testing. Allele origin: germline.

PreventionGenetics, part of Exact Sciences
Classification: Likely benign for KMT2D-related condition. Last evaluated: 2024-08-05. Review status: no assertion criteria provided. Collection method: clinical testing. Allele origin: germline. Not counted in ClinVar's aggregate classification.
Comment: This variant is classified as likely benign based on ACMG/AMP sequence variant interpretation guidelines (Richards et al. 2015 PMID: 25741868, with internal and published modifications).